The following is an entry in ClinVar:

ClinVar aggregate classification (germline): Uncertain significance (1 of 4 stars; one submission).

Conditions:
Hereditary cancer-predisposing syndrome. Also called: Neoplastic Syndromes, Hereditary; Tumor predisposition; Hereditary neoplastic syndrome; Hereditary Cancer Syndrome. Identifiers: Orphanet 140162, MedGen C0027672, MeSH D009386, MONDO:0015356.

Submission:

Ambry Genetics
Classification: Uncertain significance for Hereditary cancer-predisposing syndrome. Last evaluated: 2024-03-29. Review status: criteria provided, single submitter. Criteria: Ambry Variant Classification Scheme 2023. Collection method: clinical testing. Allele origin: germline.
Comment: The p.M214I variant (also known as c.642G>A), located in coding exon 3 of the TMEM127 gene, results from a G to A substitution at nucleotide position 642. The methionine at codon 214 is replaced by isoleucine, an amino acid with highly similar properties. This amino acid position is conserved. In addition, this alteration is predicted to be deleterious by in silico analysis. Based on the available evidence, the clinical significance of this alteration remains unclear.

NM_017849.4(TMEM127):c.642G>A (p.Met214Ile)

Gene: TMEM127 (transmembrane protein 127; minus strand). Cytogenetic location: 2q11.2.
Variant type: single nucleotide variant.
Coding change: c.642G>A on transcript NM_017849.4 (MANE Select); coding-DNA position 642, G replaced by A.
Protein change: p.Met214Ile; replaces methionine 214 with isoleucine.
Molecular consequence: missense variant.
Genome position (GRCh38, 1-based): chr2:96,253,883, C>T on the plus strand (G>A on the coding strand, the complement: TMEM127 is on the minus strand). VCF-style: chr2-96253883-C-T. GRCh37 (hg19) VCF-style: chr2-96919621-C-T.
Other names: c.642G>A, p.Met214Ile (NM_001193304.3); c.390G>A, p.Met130Ile (NM_001407282.1, NM_001407283.1); short protein forms M214I, M130I.
Identifiers: ClinVar variation 3326696 (VCV003326696.1).
Genomic context (GRCh38, chr2:96,253,883, plus strand): 5'-AGGGGGTGGCTGGAACTGGTTGATGACCTCATATTCCGCCGGGTAGGGCTCGTTCTCTTC[C>T]ATCTCTGAGAGCAGCTCCAGCGCCTGCTCCTCTTCCTCTGTGGGGTAGTGGCGCAGGAGG-3'
Protein context (NP_060319.1, residues 204-224): EEQALELLSE[Met214Ile]EENEPYPAEY